The following is an entry in ClinVar:

ClinVar aggregate classification (germline): Uncertain significance (1 of 4 stars; one submission).

Conditions:
AFF4-related disorder. Also called: AFF4-related condition.

gnomAD v4.1: 3 of 1,613,242 alleles (0.00019%); highest among the groups gnomAD compares: African/African-American, 0.0027%; no homozygotes.

Submission:

PreventionGenetics, part of Exact Sciences
Classification: Uncertain significance for AFF4-related condition. Last evaluated: 2025-04-05. Review status: criteria provided, single submitter. Criteria: ACMG Guidelines, 2015. Collection method: clinical testing. Allele origin: germline.
Comment: The AFF4 c.3001C>T variant is predicted to result in the amino acid substitution p.Leu1001Phe. To our knowledge, this variant has not been reported in the literature or in a large population database (gnomAD), indicating this variant is rare. At this time, the clinical significance of this variant is uncertain due to the absence of conclusive functional and genetic evidence.

NM_014423.4(AFF4):c.3001C>T (p.Leu1001Phe)

Gene: AFF4 (ALF transcription elongation factor 4; minus strand). Cytogenetic location: 5q31.1.
Variant type: single nucleotide variant.
Coding change: c.3001C>T on transcript NM_014423.4 (MANE Select); coding-DNA position 3001, C replaced by T.
Protein change: p.Leu1001Phe; replaces leucine 1001 with phenylalanine.
Molecular consequence: missense variant.
Genome position (GRCh38, 1-based): chr5:132,887,525, G>A on the plus strand (C>T on the coding strand, the complement: AFF4 is on the minus strand). VCF-style: chr5-132887525-G-A. GRCh37 (hg19) VCF-style: chr5-132223217-G-A.
Other names: short protein forms L1001F.
Identifiers: ClinVar variation 4982097 (VCV004982097.1).